The following is an entry in ClinVar:

ClinVar aggregate classification (germline): Uncertain significance. Review status: criteria provided, multiple submitters, no conflicts (2 of 4 stars). 2 submissions from 2 submitters: Uncertain significance (2). Last evaluated 2025-01-27.

Conditions:
Primary dilated cardiomyopathy (DCM). Also called: Dilated Cardiomyopathy. Identifiers: Orphanet 217604, MedGen C0007193, MeSH D002311, MONDO:0005021, HP:0001644. Inheritance: Various modes of inheritance.
Charcot-Marie-Tooth disease type 2. Also called: Charcot-Marie-Tooth type 2. Identifiers: Orphanet 64746, MedGen C0270914, MONDO:0018993.

Submissions (2):

Labcorp Genetics (formerly Invitae), Labcorp
Classification: Uncertain significance for Charcot-Marie-Tooth disease type 2. Last evaluated: 2025-01-27. Review status: criteria provided, single submitter. Criteria: Invitae Variant Classification Sherloc (09022015). Collection method: clinical testing. Allele origin: germline.
Comment: This sequence change replaces valine, which is neutral and non-polar, with alanine, which is neutral and non-polar, at codon 549 of the LMNA protein (p.Val549Ala). This variant is not present in population databases (gnomAD no frequency). This variant has not been reported in the literature in individuals affected with LMNA-related conditions. ClinVar contains an entry for this variant (Variation ID: 3070779). Invitae Evidence Modeling of protein sequence and biophysical properties (such as structural, functional, and spatial information, amino acid conservation, physicochemical variation, residue mobility, and thermodynamic stability) indicates that this missense variant is expected to disrupt LMNA protein function with a positive predictive value of 80%. In summary, the available evidence is currently insufficient to determine the role of this variant in disease. Therefore, it has been classified as a Variant of Uncertain Significance.

All of Us Research Program, National Institutes of Health
Classification: Uncertain significance for Primary dilated cardiomyopathy. Last evaluated: 2023-08-28. Review status: criteria provided, single submitter. Criteria: ACMG Guidelines, 2015. Collection method: clinical testing. Allele origin: germline. Inheritance: Autosomal dominant inheritance. Observed: 2 variant alleles, 2 heterozygotes.
Comment: This missense variant replaces valine with alanine at codon 549 of the LMNA protein. Computational prediction suggests that this variant may not impact protein structure and function (internally defined REVEL score threshold <= 0.5, PMID: 27666373). To our knowledge, functional studies have not been reported for this variant. This variant has not been reported in individuals affected with LMNA-related disorders in the literature. This variant has not been identified in the general population by the Genome Aggregation Database (gnomAD). The available evidence is insufficient to determine the role of this variant in disease conclusively. Therefore, this variant is classified as a Variant of Uncertain Significance.

This study involves interpretation of variants in research participants for the purpose of population health screening. Participant phenotype was not available at the time of variant classification. Additional details can be found in publication PMID: 35346344, PMCID: PMC8962531

NM_170707.4(LMNA):c.1646T>C (p.Val549Ala)

Gene: LMNA (lamin A/C; plus strand). Cytogenetic location: 1q22.
Variant type: single nucleotide variant.
Coding change: c.1646T>C on transcript NM_170707.4 (MANE Select); coding-DNA position 1646, T replaced by C.
Protein change: p.Val549Ala; replaces valine 549 with alanine.
Molecular consequence: missense variant. On other transcripts: intron variant (1).
Genome position (GRCh38, 1-based): chr1:156,137,691, T>C. VCF-style: chr1-156137691-T-C. GRCh37 (hg19) VCF-style: chr1-156107482-T-C.
Other names: c.1310T>C, p.Val437Ala (NM_001257374.3, NM_001406989.1, NM_001406998.1); c.1403T>C, p.Val468Ala (NM_001282624.2, NM_001406986.1, NM_001406987.1); c.1646T>C, p.Val549Ala (NM_001282625.2, NM_001282626.2, NM_001406983.1 and 5 more transcripts); c.1349T>C, p.Val450Ala (NM_001406988.1); c.1088T>C, p.Val363Ala (NM_001406990.1, NM_001406993.1, NM_001406995.1 and 4 more transcripts); c.1022T>C, p.Val341Ala (NM_001406994.1, NM_001406999.1, NM_001407000.1 and 1 more transcripts); c.1608+459T>C (NM_170708.4); short protein forms V341A, V363A, V437A, V450A, V468A, V549A.
Identifiers: ClinVar variation 3070779 (VCV003070779.3), dbSNP rs2528019138, ClinGen allele CA342825516.